The following is an entry in ClinVar:

ClinVar aggregate classification (germline): Uncertain significance (1 of 4 stars; one submission).

Allele frequency attached by ClinVar (database versions not stated): ESP Exome Variant Server 0.00015.
gnomAD v4.1: 94 of 1,602,198 alleles (0.0059%); highest among the groups gnomAD compares: Non-Finnish European, 0.0074%; no homozygotes.

Submission:

Labcorp Genetics (formerly Invitae), Labcorp
Classification: Uncertain significance. Last evaluated: 2022-05-03. Review status: criteria provided, single submitter. Criteria: Invitae Variant Classification Sherloc (09022015). Collection method: clinical testing. Allele origin: germline.
Comment: This sequence change replaces glycine, which is neutral and non-polar, with aspartic acid, which is acidic and polar, at codon 283 of the TSFM protein (p.Gly283Asp). This variant is present in population databases (rs369783769, gnomAD 0.01%). This missense change has been observed in individual(s) with combined oxidative phosphorylation deficiency (PMID: 31683770). Algorithms developed to predict the effect of missense changes on protein structure and function are either unavailable or do not agree on the potential impact of this missense change (SIFT: "Deleterious"; PolyPhen-2: "Probably Damaging"; Align-GVGD: "Class C0"). In summary, the available evidence is currently insufficient to determine the role of this variant in disease. Therefore, it has been classified as a Variant of Uncertain Significance.

Literature cited by the submitters: PubMed 31683770.

NM_005726.6(TSFM):c.785G>A (p.Gly262Asp)

Gene: TSFM (Ts translation elongation factor, mitochondrial; plus strand). Cytogenetic location: 12q14.1.
Variant type: single nucleotide variant.
Coding change: c.785G>A on transcript NM_005726.6 (MANE Select); coding-DNA position 785, G replaced by A.
Protein change: p.Gly262Asp; replaces glycine 262 with aspartic acid.
Molecular consequence: missense variant. On other transcripts: 3 prime UTR variant (1), intron variant (1).
Genome position (GRCh38, 1-based): chr12:57,796,390, G>A. VCF-style: chr12-57796390-G-A. GRCh37 (hg19) VCF-style: chr12-58190173-G-A.
Other names: c.*193G>A (NM_001172695.2); c.848G>A, p.Gly283Asp (NM_001172696.2); c.571+3317G>A (NM_001172697.2); short protein forms G283D, G262D.
Identifiers: ClinVar variation 2042779 (VCV002042779.1), dbSNP rs369783769, ClinGen allele CA6659443.